The following is an entry in ClinVar:

ClinVar aggregate classification (germline): Uncertain significance. Review status: criteria provided, multiple submitters, no conflicts (2 of 4 stars). 3 submissions from 3 submitters: Uncertain significance (3). Last evaluated 2024-03-29.

Conditions:
Familial hemophagocytic lymphohistiocytosis 5. Also called: STXBP2-Related Familial Hemophagocytic Lymphohistiocytosis (STXBP2-fHLH). Identifiers: Orphanet 540, MedGen C2751293, MONDO:0013135, OMIM 613101.

gnomAD v4.1: 7 of 1,552,320 alleles (0.00045%); highest among the groups gnomAD compares: Non-Finnish European, 0.00061%; no homozygotes.

Submissions (3):

Genomic Medicine Center of Excellence, King Faisal Specialist Hospital and Research Centre
Classification: Uncertain significance for Familial hemophagocytic lymphohistiocytosis 5. Last evaluated: 2024-03-29. Review status: criteria provided, single submitter. Criteria: ACMG Guidelines, 2015. Collection method: clinical testing. Allele origin: germline.

Labcorp Genetics (formerly Invitae), Labcorp
Classification: Uncertain significance for Familial hemophagocytic lymphohistiocytosis 5. Last evaluated: 2021-08-26. Review status: criteria provided, single submitter. Criteria: Invitae Variant Classification Sherloc (09022015). Collection method: clinical testing. Allele origin: germline.
Comment: This sequence change replaces arginine with cysteine at codon 165 of the STXBP2 protein (p.Arg165Cys). The arginine residue is moderately conserved and there is a large physicochemical difference between arginine and cysteine. This variant is not present in population databases (ExAC no frequency). This variant has not been reported in the literature in individuals affected with STXBP2-related conditions. Algorithms developed to predict the effect of missense changes on protein structure and function are either unavailable or do not agree on the potential impact of this missense change (SIFT: "Deleterious"; PolyPhen-2: "Benign"; Align-GVGD: "Class C0"). In summary, the available evidence is currently insufficient to determine the role of this variant in disease. Therefore, it has been classified as a Variant of Uncertain Significance.

Blueprint Genetics
Classification: Uncertain significance. Last evaluated: 2019-05-24. Review status: criteria provided, single submitter. Criteria: ACMG Guidelines, 2015. Collection method: clinical testing. Allele origin: germline.

NM_006949.4(STXBP2):c.493C>T (p.Arg165Cys)

Gene: STXBP2 (syntaxin binding protein 2; plus strand). Cytogenetic location: 19p13.2.
Variant type: single nucleotide variant.
Coding change: c.493C>T on transcript NM_006949.4 (MANE Select); coding-DNA position 493, C replaced by T.
Protein change: p.Arg165Cys; replaces arginine 165 with cysteine.
Molecular consequence: missense variant. On other transcripts: non-coding transcript variant (1).
Genome position (GRCh38, 1-based): chr19:7,641,768, C>T. VCF-style: chr19-7641768-C-T. GRCh37 (hg19) VCF-style: chr19-7706654-C-T.
Other names: c.484C>T, p.Arg162Cys (NM_001127396.3); c.526C>T, p.Arg176Cys (NM_001272034.2); short protein forms R165C, R162C, R176C.
Identifiers: ClinVar variation 1486935 (VCV001486935.7), dbSNP rs1364548535, ClinGen allele CA403158346.